The following is an entry in ClinVar:

ClinVar aggregate classification (germline): Uncertain significance. Review status: criteria provided, multiple submitters, no conflicts (2 of 4 stars). 2 submissions from 2 submitters: Uncertain significance (2). Last evaluated 2025-10-07.

Conditions:
Inborn genetic diseases. Identifiers: MedGen C0950123, MeSH D030342.

Allele frequency attached by ClinVar (database versions not stated): TOPMed below 0.00001; gnomAD 0.00001; gnomAD exomes 0.00001; ExAC 0.00002.
gnomAD v4.1: 18 of 1,613,964 alleles (0.0011%); highest among the groups gnomAD compares: Non-Finnish European, 0.0014%; no homozygotes.

Submissions (2):

Ambry Genetics
Classification: Uncertain significance for Inborn genetic diseases. Last evaluated: 2025-10-07. Review status: criteria provided, single submitter. Criteria: Ambry Variant Classification Scheme 2023. Collection method: clinical testing. Allele origin: germline.

Labcorp Genetics (formerly Invitae), Labcorp
Classification: Uncertain significance. Last evaluated: 2021-10-29. Review status: criteria provided, single submitter. Criteria: Invitae Variant Classification Sherloc (09022015). Collection method: clinical testing. Allele origin: germline.
Comment: In summary, the available evidence is currently insufficient to determine the role of this variant in disease. Therefore, it has been classified as a Variant of Uncertain Significance. Algorithms developed to predict the effect of missense changes on protein structure and function are either unavailable or do not agree on the potential impact of this missense change (SIFT: "Deleterious"; PolyPhen-2: "Benign"; Align-GVGD: "Class C0"). This variant has not been reported in the literature in individuals affected with STIL-related conditions. This variant is present in population databases (rs752089431, gnomAD 0.007%). This sequence change replaces leucine, which is neutral and non-polar, with phenylalanine, which is neutral and non-polar, at codon 927 of the STIL protein (p.Leu927Phe).

NM_001048166.1(STIL):c.2784G>C (p.Leu928Phe)

Gene: STIL (STIL centriolar assembly protein; minus strand). Cytogenetic location: 1p33.
Variant type: single nucleotide variant.
Coding change: c.2784G>C on transcript NM_001048166.1 (MANE Select); coding-DNA position 2784, G replaced by C.
Protein change: p.Leu928Phe; replaces leucine 928 with phenylalanine.
Molecular consequence: missense variant.
Genome position (GRCh38, 1-based): chr1:47,262,948, C>G on the plus strand (G>C on the coding strand, the complement: STIL is on the minus strand). VCF-style: chr1-47262948-C-G. GRCh37 (hg19) VCF-style: chr1-47728620-C-G.
Other names: c.2781G>C, p.Leu927Phe (NM_001282936.1, NM_003035.2); c.2730G>C, p.Leu910Phe (NM_001282937.1); c.2643G>C, p.Leu881Phe (NM_001282938.1, NM_001377417.1); c.2589G>C, p.Leu863Phe (NM_001282939.1); short protein forms L927F, L863F, L928F, L910F, L881F.
Identifiers: ClinVar variation 1466680 (VCV001466680.7), dbSNP rs752089431, ClinGen allele CA842102.